The following continues an entry in ClinVar:

NM_001048174.2(MUTYH):c.954G>A (p.Ser318=)

Gene: MUTYH. ClinVar aggregate classification (germline): Conflicting classifications of pathogenicity. Likely pathogenic (14); Uncertain significance (1).

Submissions 11 to 19 of 19:

PreventionGenetics, part of Exact Sciences
Classification: Likely pathogenic for MUTYH-related condition. Last evaluated: 2024-10-16. Review status: criteria provided, single submitter. Criteria: ACMG Guidelines, 2015. Collection method: clinical testing. Allele origin: germline.
Comment: The MUTYH c.1038G>A variant is not predicted to result in an amino acid change (p.=). This variant is also referred to as c.996G>A or (p.S332S) in the literature. It has been reported with a second MUTYH variant in individuals with adenomatous polyposis coli or pancreatic adenocarcinoma (Kairupan et al. 2005. PubMed ID: 15761860; Olschwang et al. 2007. PubMed ID: 17949294; Thibodeau et al. 2019. PubMed ID: 30833417). This variant has also been reported in the heterozygous state in an individual with breast cancer (Tung et al. 2015. PubMed ID: 25186627). Experimental studies indicate this variant activates a cryptic splice site in exon 12 and results in the loss of 14 amino acids (Thibodeau et al. 2019. PubMed ID: 30833417). It has conflicting classifications in ClinVar, ranging from likely pathogenic to uncertain. This variant is reported in 0.010% of alleles in individuals of European (non-Finnish) descent in gnomAD. This variant is interpreted as likely pathogenic.

Women's Health and Genetics/Laboratory Corporation of America, LabCorp
Classification: Likely pathogenic for Familial adenomatous polyposis 2. Last evaluated: 2024-06-10. Review status: criteria provided, single submitter. Criteria: LabCorp Variant Classification Summary - May 2015. Collection method: clinical testing. Allele origin: germline.
Comment: Variant summary: MUTYH c.1038G>A (also reported as S332S, G996A or c.996G>A) alters a non-conserved nucleotide resulting in a synonymous change. Several computational tools predict a significant impact on normal splicing: Four predict the variant creates a 3' acceptor site. At least one publication reports experimental evidence that this variant affects mRNA splicing, resulting in an in-frame loss of 42 bp (example, Thibodeau_2019). The variant allele was found at a frequency of 4.5e-05 in 242534 control chromosomes. This frequency is not significantly higher than estimated for a pathogenic variant in MUTYH causing MUTYH-Associated Polyposis (4.5e-05 vs 0.0046), allowing no conclusion about variant significance. c.1038G>A has been reported in the literature in the simple heterozygous, presumed compound heterozygous, or compound heterozygous state in multiple individuals affected with MUTYH-Associated Polyposis, pancreatic ductal adenocarcinoma, and/or breast cancer (example, Kairupan_2005, Olschwang_2007, Tung_2015, Thibodeau_2019). These data indicate that the variant is likely to be associated with disease. The following publications have been ascertained in the context of this evaluation (PMID: 15761860, 17949294, 30833417, 25186627). ClinVar contains an entry for this variant (Variation ID: 186251). Based on the evidence outlined above, the variant was classified as likely pathogenic.

Revvity Omics, Revvity
Classification: Likely pathogenic for Familial adenomatous polyposis 2. Last evaluated: 2024-03-06. Review status: criteria provided, single submitter. Criteria: ACMG Guidelines, 2015. Collection method: clinical testing. Allele origin: germline.

Fulgent Genetics
Classification: Likely pathogenic for Familial adenomatous polyposis 2; Gastric cancer. Last evaluated: 2024-01-09. Review status: criteria provided, single submitter. Criteria: ACMG Guidelines, 2015. Collection method: clinical testing. Allele origin: germline.

Institute of Medical Genetics and Applied Genomics, University Hospital Tübingen
Classification: Likely pathogenic. Last evaluated: 2021-02-01. Review status: criteria provided, single submitter. Criteria: ACMG Guidelines, 2015. Collection method: clinical testing. Allele origin: germline. Inheritance: Autosomal recessive inheritance. Affected: yes.

Genomics England Pilot Project, Genomics England
Classification: Pathogenic for Familial adenomatous polyposis 2. Review status: no assertion criteria provided. Criteria: ACGS Guidelines, 2016. Collection method: clinical testing. Allele origin: germline. Affected: yes. Not counted in ClinVar's aggregate classification.

Baylor Genetics
Classification: Uncertain significance for Familial adenomatous polyposis 2. Last evaluated: 2024-02-07. Review status: flagged submission. Criteria: ACMG Guidelines, 2015. Collection method: clinical testing. Allele origin: unknown. Not counted in ClinVar's aggregate classification.
ClinVar note: Reason: Outlier claim with insufficient supporting evidence

Department of Pathology and Laboratory Medicine, Sinai Health System
Classification: Uncertain significance for Familial colorectal cancer type X. Last evaluated: 2020-01-09. Review status: flagged submission. Criteria: ACMG Guidelines, 2015. Collection method: clinical testing. Allele origin: germline. Affected: yes. Not counted in ClinVar's aggregate classification.
ClinVar note: Reason: Outlier claim with insufficient supporting evidence

Laboratory for Molecular Medicine, Mass General Brigham Personalized Medicine
Classification: Uncertain significance. Last evaluated: 2016-03-29. Review status: flagged submission. Criteria: LMM Criteria. Collection method: clinical testing. Allele origin: germline. Not counted in ClinVar's aggregate classification.
Comment: Variant identified in a genome or exome case(s) and assessed due to predicted null impact of the variant or pathogenic assertions in the literature or databases. Disclaimer: This variant has not undergone full assessment. The following are preliminary notes: Silent, 1 paper in HGMD
ClinVar note: Reason: Older and outlier claim with insufficient supporting evidence

Literature cited by the submitters: PubMed 15761860 (cited by 6 submitters); PubMed 17949294 (cited by 6 submitters); PubMed 21520333 (cited by Labcorp Genetics (formerly Invitae), Labcorp); PubMed 25186627 (cited by 4 submitters); PubMed 30833417 (cited by 5 submitters); PubMed 25525159 (cited by Quest Diagnostics Nichols Institute San Juan Capistrano); PubMed 24841533 (cited by Color Diagnostics, LLC DBA Color Health); PubMed 31203172 (cited by Color Diagnostics, LLC DBA Color Health).